The following is an entry in ClinVar:

ClinVar aggregate classification (germline): Pathogenic. Review status: reviewed by expert panel (3 of 4 stars). 5 submissions from 5 submitters: Pathogenic (1). 4 of the submissions do not count toward it. Last evaluated 2016-09-08.

Conditions:
Hereditary breast ovarian cancer syndrome. Also called: Hereditary breast and/or ovarian cancer syndrome; Breast and ovarian cancer; Hereditary breast and ovarian cancer syndrome; Hereditary breast and ovarian cancer; Hereditary breast and ovarian cancer syndrome (HBOC); BRCA1- and BRCA2-Associated Hereditary Breast and Ovarian Cancer. Identifiers: Orphanet 145, MedGen C0677776, MeSH D061325, MONDO:0003582. Disease mechanism: loss of function.
Breast-ovarian cancer, familial, susceptibility to, 1 (BROVCA1). Also called: BRCA1 Hereditary Breast and Ovarian Cancer; OVARIAN CANCER, SUSCEPTIBILITY TO. Identifiers: Orphanet 145, MedGen C2676676, MONDO:0011450, OMIM 604370. Disease mechanism: loss of function.

Submissions (5):

Evidence-based Network for the Interpretation of Germline Mutant Alleles (ENIGMA)
Classification: Pathogenic for Breast-ovarian cancer, familial, susceptibility to, 1. Last evaluated: 2016-09-08. Review status: reviewed by expert panel. Criteria: ENIGMA BRCA1/2 Classification Criteria (2015). Collection method: curation. Allele origin: germline.
Comment: Variant allele predicted to encode a truncated non-functional protein.

Women's Health and Genetics/Laboratory Corporation of America, LabCorp
Classification: Pathogenic for Hereditary breast ovarian cancer syndrome. Last evaluated: 2025-11-17. Review status: criteria provided, single submitter. Criteria: LabCorp Variant Classification Summary - May 2015. Collection method: clinical testing. Allele origin: germline. Not counted in ClinVar's aggregate classification.
Comment: Variant summary: BRCA1 c.3830dupC (p.Ala1279GlyfsX8) results in a premature termination codon, predicted to cause a truncation of the encoded protein or absence of the protein due to nonsense mediated decay, which are commonly known mechanisms for disease. The variant was absent in 251142 control chromosomes. To our knowledge, no occurrence of c.3830dupC in individuals affected with BRCA1-related conditions and no experimental evidence demonstrating its impact on protein function have been reported. ClinVar contains an entry for this variant (Variation ID: 125655). Based on the evidence outlined above, the variant was classified as pathogenic.

Labcorp Genetics (formerly Invitae), Labcorp
Classification: Pathogenic for Hereditary breast ovarian cancer syndrome. Last evaluated: 2022-12-08. Review status: criteria provided, single submitter. Criteria: Invitae Variant Classification Sherloc (09022015). Collection method: clinical testing. Allele origin: germline. Not counted in ClinVar's aggregate classification.
Comment: For these reasons, this variant has been classified as Pathogenic. ClinVar contains an entry for this variant (Variation ID: 125655). This variant is also known as 3949insC. This variant has not been reported in the literature in individuals affected with BRCA1-related conditions. This variant is not present in population databases (gnomAD no frequency). This sequence change creates a premature translational stop signal (p.Ala1279Glyfs*8) in the BRCA1 gene. It is expected to result in an absent or disrupted protein product. Loss-of-function variants in BRCA1 are known to be pathogenic (PMID: 20104584).

Baylor Genetics
Classification: Pathogenic for Breast-ovarian cancer, familial, susceptibility to, 1. Last evaluated: 2022-09-02. Review status: criteria provided, single submitter. Criteria: ACMG Guidelines, 2015. Collection method: clinical testing. Allele origin: unknown. Not counted in ClinVar's aggregate classification.

Breast Cancer Information Core (BIC) (BRCA1)
Classification: Pathogenic for Breast-ovarian cancer, familial 1. Last evaluated: 2002-06-20. Review status: no assertion criteria provided. Collection method: clinical testing. Allele origin: germline. Affected: yes. Observed: 1 variant allele. Not counted in ClinVar's aggregate classification.

Literature cited by the submitters: PubMed 20104584 (cited by Labcorp Genetics (formerly Invitae), Labcorp).

NM_007294.4(BRCA1):c.3830dup (p.Ala1279fs)

Genes: BRCA1 (BRCA1 DNA repair associated; minus strand), LOC126862571 (BRD4-independent group 4 enhancer GRCh37_chr17:41243136-41244335; plus strand). Cytogenetic location: 17q21.31.
Variant type: Duplication.
Coding change: c.3830dup on transcript NM_007294.4 (MANE Select); coding-DNA position 3830, one base duplicated (C; older notation c.3830dupC).
Protein change: p.Ala1279fs; shifts the reading frame from alanine 1279.
Molecular consequence: frameshift variant. On other transcripts: intron variant (135).
Genome position (GRCh38, 1-based): chr17:43,091,701, G duplicated on the plus strand (C on the coding strand, the reverse complement: BRCA1 is on the minus strand). VCF-style (leftmost placement, unchanged base first): chr17-43091700-T-TG. GRCh37 (hg19) VCF-style: chr17-41243717-T-TG.
Other names: 3949insC; c.3830dupC (NM_007294.3, NM_007294.4); c.3704dup, p.Ala1237fs (NM_001407672.1, NM_001407673.1, NM_001407685.1 and 11 more transcripts); c.3707dup, p.Ala1238fs (NM_001407674.1, NM_001407675.1, NM_001407676.1 and 19 more transcripts); c.3830dup, p.Ala1279fs (NM_001407684.1, NM_001407854.1, NM_001407858.1 and 30 more transcripts); c.3689dup, p.Ala1232fs (NM_001407692.1, NM_001407694.1, NM_001407695.1 and 29 more transcripts); c.3686dup, p.Ala1231fs (NM_001407740.1, NM_001407741.1, NM_001407742.1 and 20 more transcripts); c.3617dup, p.Ala1208fs (NM_001407853.1, NM_001407894.1, NM_001407895.1 and 9 more transcripts); and 43 more; short protein forms A1232fs, A1279fs, A1151fs, A1167fs, A1191fs, A1208fs, A1211fs, A1237fs.
Identifiers: ClinVar variation 125655 (VCV000125655.10), dbSNP rs80357878, ClinGen allele CA002467.